The following is an entry in ClinVar:

ClinVar aggregate classification (germline): Uncertain significance (1 of 4 stars; one submission).

Conditions:
Early-infantile DEE. Also called: Early infantile epileptic encephalopathy; Ohtahara syndrome; Early infantile epileptic encephalopathy with suppression bursts. Identifiers: Orphanet 1934, MedGen C0393706, MONDO:0800491.

Submission:

Labcorp Genetics (formerly Invitae), Labcorp
Classification: Uncertain significance for Early-infantile DEE. Last evaluated: 2022-07-25. Review status: criteria provided, single submitter. Criteria: Invitae Variant Classification Sherloc (09022015). Collection method: clinical testing. Allele origin: germline.
Comment: In summary, the available evidence is currently insufficient to determine the role of this variant in disease. Therefore, it has been classified as a Variant of Uncertain Significance. Algorithms developed to predict the effect of sequence changes on RNA splicing suggest that this variant may disrupt the consensus splice site. This variant has not been reported in the literature in individuals affected with HCN1-related conditions. This variant is not present in population databases (gnomAD no frequency). This sequence change falls in intron 2 of the HCN1 gene. It does not directly change the encoded amino acid sequence of the HCN1 protein.

NM_021072.4(HCN1):c.849+18_849+23del

Gene: HCN1 (hyperpolarization activated cyclic nucleotide gated potassium channel 1; minus strand). Cytogenetic location: 5p12.
Variant type: Microsatellite.
Coding change: c.849+18_849+23del on transcript NM_021072.4 (MANE Select); bases 18 to 23 of the intron after coding-DNA position 849, 6 bases deleted (CTTTTT; older notation c.849+18_849+23delCTTTTT).
Molecular consequence: intron variant.
Genome position (GRCh38, 1-based): chr5:45,645,162-45,645,167, AAAAAG deleted on the plus strand (CTTTTT on the coding strand, the reverse complement: HCN1 is on the minus strand); deleting any 6 consecutive bases within chr5:45,645,162-45,645,174 gives the same sequence; the c. name uses the placement nearest the transcript's 3' end. VCF-style (leftmost placement, unchanged base first): chr5-45645161-AAAAAAG-A. GRCh37 (hg19) VCF-style: chr5-45645263-AAAAAAG-A.
Identifiers: ClinVar variation 2019667 (VCV002019667.4), dbSNP rs2478542777, ClinGen allele CA2580613559.